The following is an entry in ClinVar:

NM_001127222.2(CACNA1A):c.5032C>T (p.Arg1678Cys)

Gene: CACNA1A (calcium voltage-gated channel subunit alpha1 A; minus strand). Cytogenetic location: 19p13.13.
Variant type: single nucleotide variant.
Coding change: c.5032C>T on transcript NM_001127222.2 (MANE Select); coding-DNA position 5032, C replaced by T.
Protein change: p.Arg1678Cys; replaces arginine 1678 with cysteine.
Molecular consequence: missense variant.
Genome position (GRCh38, 1-based): chr19:13,235,649, G>A on the plus strand (C>T on the coding strand, the complement: CACNA1A is on the minus strand). VCF-style: chr19-13235649-G-A. GRCh37 (hg19) VCF-style: chr19-13346463-G-A.
Other names: p.Arg1680Cys; c.5035C>T (NM_000068.2); c.5050C>T, p.Arg1684Cys (NM_000068.4, NM_023035.3); c.5035C>T, p.Arg1679Cys (NM_001127221.2); c.5041C>T, p.Arg1681Cys (NM_001174080.2); short protein forms R1679C, R1678C, R1684C, R1681C.
Identifiers: ClinVar variation 68434 (VCV000068434.14), dbSNP rs121908243, ClinGen allele CA266056.

ClinVar aggregate classification (germline): Conflicting classifications of pathogenicity. Review status: criteria provided, conflicting classifications (1 of 4 stars). 7 submissions from 7 submitters: Pathogenic (1); Likely pathogenic (3); Uncertain significance (1). 2 of the submissions do not count toward it. Last evaluated 2024-10-21.

Conditions:
Episodic ataxia type 2 (EA2). Also called: EPISODIC ATAXIA, NYSTAGMUS-ASSOCIATED; ACETAZOLAMIDE-RESPONSIVE HEREDITARY PAROXYSMAL CEREBELLAR ATAXIA; ATAXIA, EPISODIC, WITH NYSTAGMUS; ATAXIA, FAMILIAL PAROXYSMAL; CEREBELLAR ATAXIA, PAROXYSMAL, ACETAZOLAMIDE-RESPONSIVE; CEREBELLOPATHY, HEREDITARY PAROXYSMAL. Identifiers: Orphanet 97, MedGen C1720416, MONDO:0007163, OMIM 108500.
Developmental and epileptic encephalopathy, 42 (DEE42A). Also called: Epileptic encephalopathy, early infantile, 42; DEVELOPMENTAL AND EPILEPTIC ENCEPHALOPATHY 42A; EPILEPTIC ENCEPHALOPATHY, EARLY INFANTILE, 42A. Identifiers: MedGen C4310716, MONDO:0014917, OMIM 617106.
CACNA1A-related disorder. Also called: CACNA1A-related condition.

Allele frequency attached by ClinVar (database versions not stated): gnomAD exomes below 0.00001; TOPMed below 0.00001; gnomAD 0.00001.
gnomAD v4.1: 3 of 1,613,742 alleles (0.00019%); highest among the groups gnomAD compares: Non-Finnish European, 0.00025%; no homozygotes.

Submissions (7):

Labcorp Genetics (formerly Invitae), Labcorp
Classification: Pathogenic for Developmental and epileptic encephalopathy, 42; Episodic ataxia type 2. Last evaluated: 2024-10-21. Review status: criteria provided, single submitter. Criteria: Invitae Variant Classification Sherloc (09022015). Collection method: clinical testing. Allele origin: germline.
Comment: This sequence change replaces arginine, which is basic and polar, with cysteine, which is neutral and slightly polar, at codon 1679 of the CACNA1A protein (p.Arg1679Cys). This variant is not present in population databases (gnomAD no frequency). This missense change has been observed in individuals with episodic ataxia type 2 (PMID: 20129625, 34085110; internal data). This variant is also known as p.Arg1680Cys. ClinVar contains an entry for this variant (Variation ID: 68434). Invitae Evidence Modeling of protein sequence and biophysical properties (such as structural, functional, and spatial information, amino acid conservation, physicochemical variation, residue mobility, and thermodynamic stability) indicates that this missense variant is expected to disrupt CACNA1A protein function with a positive predictive value of 95%. For these reasons, this variant has been classified as Pathogenic.

Mayo Clinic Laboratories, Mayo Clinic
Classification: Likely pathogenic. Last evaluated: 2024-10-21. Review status: criteria provided, single submitter. Criteria: ACMG Guidelines, 2015. Collection method: clinical testing. Allele origin: germline. Observed: 1 variant allele.
Comment: PP2, PP3, PM2_supporting, PM6, PS4_moderate

Blueprint Genetics
Classification: Likely pathogenic for CACNA1A-related disorders. Last evaluated: 2024-02-29. Review status: criteria provided, single submitter. Criteria: ACMG Guidelines, 2015. Collection method: clinical testing. Allele origin: germline. Affected: yes. Observed: 1 variant allele.

Athena Diagnostics
Classification: Likely pathogenic. Last evaluated: 2023-07-01. Review status: criteria provided, single submitter. Criteria: Athena Diagnostics Criteria. Collection method: clinical testing. Allele origin: unknown.
Comment: The frequency of this variant in the general population is consistent with pathogenicity. This variant has been identified in multiple unrelated individuals with episodic ataxia. This variant is also referred to as Arg1680Cys in published literature. Computational tools predict that this variant is damaging.

Revvity Omics, Revvity
Classification: Uncertain significance. Last evaluated: 2019-07-23. Review status: criteria provided, single submitter. Criteria: ACMG Guidelines, 2015. Collection method: clinical testing. Allele origin: germline.

Department of Rehabilitation Medicine, Incheon St. Mary’s Hospital, College of Medicine, The Catholic University of Korea
Classification: Pathogenic for Episodic ataxia type 2. Last evaluated: 2019-02-11. Review status: no assertion criteria provided. Collection method: research. Allele origin: de novo. Inheritance: Autosomal dominant inheritance. Affected: yes. Observed: 1 heterozygote. Not counted in ClinVar's aggregate classification.

UniProtKB/Swiss-Prot
No classification provided. Condition: Episodic ataxia type 2. Review status: no classification provided. Collection method: not provided. Allele origin: not provided. Not counted in ClinVar's aggregate classification.
Comment: c.5038C>T and R1680C in PubMed 20129625

Literature cited by the submitters: PubMed 20129625 (cited by 3 submitters); PubMed 34085110 (cited by 3 submitters); PubMed 28252636 (cited by Mayo Clinic Laboratories, Mayo Clinic and Athena Diagnostics); PubMed 31475473 (cited by Mayo Clinic Laboratories, Mayo Clinic and Athena Diagnostics); PubMed 34426522 (cited by Mayo Clinic Laboratories, Mayo Clinic and Athena Diagnostics); PubMed 35600082 (cited by Mayo Clinic Laboratories, Mayo Clinic); PubMed 36353133 (cited by Athena Diagnostics).